The following is an entry in ClinVar:

ClinVar aggregate classification (germline): Likely benign. Review status: criteria provided, multiple submitters, no conflicts (2 of 4 stars). 2 submissions from 2 submitters: Likely benign (2). Last evaluated 2018-06-19.

Allele frequency attached by ClinVar (database versions not stated): gnomAD 0.01720 and 0.01913; TOPMed 0.01782; 1000 Genomes Project 0.02296; 1000 Genomes Project 30x 0.02311; gnomAD exomes 0.02588.
gnomAD v4.1: 18,547 of 759,814 alleles (2.4%); highest among the groups gnomAD compares: South Asian, 7%; 414 homozygotes.

Submissions (2):

GeneDx
Classification: Likely benign. Last evaluated: 2018-06-19. Review status: criteria provided, single submitter. Criteria: GeneDx Variant Classification (06012015). Collection method: clinical testing. Allele origin: germline. Affected: yes.
Comment: This variant is considered likely benign or benign based on one or more of the following criteria: it is a conservative change, it occurs at a poorly conserved position in the protein, it is predicted to be benign by multiple in silico algorithms, and/or has population frequency not consistent with disease.

Breakthrough Genomics
Classification: Likely benign. Review status: criteria provided, single submitter. Criteria: ACMG Guidelines, 2015. Collection method: not provided. Allele origin: germline. Inheritance: Autosomal dominant inheritance. Affected: yes.

NM_000069.3(CACNA1S):c.399-145T>A

Gene: CACNA1S (calcium voltage-gated channel subunit alpha1 S; minus strand). Cytogenetic location: 1q32.1.
Variant type: single nucleotide variant.
Coding change: c.399-145T>A on transcript NM_000069.3 (MANE Select); 145 bases into the intron before coding-DNA position 399, T replaced by A.
Molecular consequence: intron variant.
Genome position (GRCh38, 1-based): chr1:201,092,259, A>T on the plus strand (T>A on the coding strand, the complement: CACNA1S is on the minus strand). VCF-style: chr1-201092259-A-T. GRCh37 (hg19) VCF-style: chr1-201061387-A-T.
Identifiers: ClinVar variation 680748 (VCV000680748.2), dbSNP rs117190487, ClinGen allele CA35997079.